The following is an entry in ClinVar:

NM_000057.4(BLM):c.4094G>A (p.Arg1365Lys)

Gene: BLM (BLM RecQ like helicase; plus strand). Cytogenetic location: 15q26.1.
Variant type: single nucleotide variant.
Coding change: c.4094G>A on transcript NM_000057.4 (MANE Select); coding-DNA position 4094, G replaced by A.
Protein change: p.Arg1365Lys; replaces arginine 1365 with lysine.
Molecular consequence: missense variant.
Genome position (GRCh38, 1-based): chr15:90,815,119, G>A. VCF-style: chr15-90815119-G-A. GRCh37 (hg19) VCF-style: chr15-91358349-G-A.
Other names: c.4094G>A, p.Arg1365Lys (NM_001287246.2); c.3701G>A, p.Arg1234Lys (NM_001287247.2); c.2969G>A, p.Arg990Lys (NM_001287248.2); short protein forms R1234K, R1365K, R990K.
Identifiers: ClinVar variation 824584 (VCV000824584.15), dbSNP rs753011288, ClinGen allele CA7739197.

ClinVar aggregate classification (germline): Uncertain significance. Review status: criteria provided, multiple submitters, no conflicts (2 of 4 stars). 3 submissions from 3 submitters: Uncertain significance (2). 1 of the submissions does not count toward it. Last evaluated 2025-11-20.

Conditions:
Hereditary cancer-predisposing syndrome. Also called: Neoplastic Syndromes, Hereditary; Tumor predisposition; Hereditary neoplastic syndrome; Hereditary Cancer Syndrome. Identifiers: Orphanet 140162, MedGen C0027672, MeSH D009386, MONDO:0015356.
Bloom syndrome (BLM). Also called: Bloom-Torre-Machacek syndrome. Identifiers: Orphanet 125, MedGen C0005859, MONDO:0008876, OMIM 210900.

Allele frequency attached by ClinVar (database versions not stated): ExAC 0.00001; gnomAD exomes 0.00001.
gnomAD v4.1: 20 of 1,614,044 alleles (0.0012%); highest among the groups gnomAD compares: Non-Finnish European, 0.0014%; no homozygotes.

Submissions (3):

Labcorp Genetics (formerly Invitae), Labcorp
Classification: Uncertain significance for Bloom syndrome. Last evaluated: 2025-11-20. Review status: criteria provided, single submitter. Criteria: Invitae Variant Classification Sherloc (09022015). Collection method: clinical testing. Allele origin: germline.
Comment: This sequence change replaces arginine, which is basic and polar, with lysine, which is basic and polar, at codon 1365 of the BLM protein (p.Arg1365Lys). This variant is present in population databases (rs753011288, gnomAD 0.003%). This variant has not been reported in the literature in individuals affected with BLM-related conditions. ClinVar contains an entry for this variant (Variation ID: 824584). Invitae Evidence Modeling of protein sequence and biophysical properties (such as structural, functional, and spatial information, amino acid conservation, physicochemical variation, residue mobility, and thermodynamic stability) indicates that this missense variant is not expected to disrupt BLM protein function with a negative predictive value of 80%. In summary, the available evidence is currently insufficient to determine the role of this variant in disease. Therefore, it has been classified as a Variant of Uncertain Significance.

Ambry Genetics
Classification: Uncertain significance for Hereditary cancer-predisposing syndrome. Last evaluated: 2025-10-30. Review status: criteria provided, single submitter. Criteria: Ambry Variant Classification Scheme 2023. Collection method: clinical testing. Allele origin: germline.
Comment: The p.R1365K variant (also known as c.4094G>A), located in coding exon 21 of the BLM gene, results from a G to A substitution at nucleotide position 4094. The arginine at codon 1365 is replaced by lysine, an amino acid with highly similar properties. This amino acid position is well conserved in available vertebrate species. In addition, the in silico prediction for this alteration is inconclusive. Since supporting evidence is limited at this time, the clinical significance of this alteration remains unclear.

Natera, Inc.
Classification: Uncertain significance for Bloom syndrome. Last evaluated: 2020-02-21. Review status: no assertion criteria provided. Collection method: clinical testing. Allele origin: germline. Not counted in ClinVar's aggregate classification.